The following is an entry in ClinVar:

ClinVar aggregate classification (germline): Likely benign. Review status: criteria provided, multiple submitters, no conflicts (2 of 4 stars). 2 submissions from 2 submitters: Likely benign (2). Last evaluated 2026-01-01.

Allele frequency attached by ClinVar (database versions not stated): 1000 Genomes Project 0.00180; 1000 Genomes Project 30x 0.00078.

Submissions (2):

CeGaT Center for Human Genetics Tuebingen
Classification: Likely benign. Last evaluated: 2026-01-01. Review status: criteria provided, single submitter. Criteria: CeGaT Center For Human Genetics Tuebingen Variant Classification Criteria Version 2. Collection method: clinical testing. Allele origin: germline. Affected: yes. Observed: 6 variant alleles.
Comment: FLG: BP4, BP7

Blueprint Genetics
Classification: Likely benign. Last evaluated: 2024-11-26. Review status: criteria provided, single submitter. Criteria: ACMG Guidelines, 2015. Collection method: clinical testing. Allele origin: germline.

NM_002016.2(FLG):c.10152G>A (p.Gly3384=)

Genes: CCDST (cervical cancer associated DHX9 suppressive transcript; plus strand), FLG (filaggrin; minus strand). Cytogenetic location: 1q21.3.
Variant type: single nucleotide variant.
Coding change: c.10152G>A on transcript NM_002016.2 (MANE Select); coding-DNA position 10152, G replaced by A.
Protein change: p.Gly3384=; no amino-acid change (glycine 3384 retained).
Molecular consequence: synonymous variant.
Genome position (GRCh38, 1-based): chr1:152,304,734, C>T on the plus strand (G>A on the coding strand, the complement: FLG is on the minus strand). VCF-style: chr1-152304734-C-T. GRCh37 (hg19) VCF-style: chr1-152277210-C-T.
Identifiers: ClinVar variation 2639240 (VCV002639240.25), dbSNP rs78704340, ClinGen allele CA1103507.